The following is an entry in ClinVar:

ClinVar aggregate classification (germline): Conflicting classifications of pathogenicity. Review status: criteria provided, conflicting classifications (1 of 4 stars). 3 submissions from 3 submitters: Uncertain significance (2); Likely benign (1). Last evaluated 2025-12-17.

Conditions:
Primary dilated cardiomyopathy (DCM). Also called: Dilated Cardiomyopathy. Identifiers: Orphanet 217604, MedGen C0007193, MeSH D002311, MONDO:0005021, HP:0001644. Inheritance: Various modes of inheritance.
High myopia. Also called: Severe Myopia. Identifiers: MedGen C0271183, HP:0011003.
Loeys-Dietz syndrome 2 (LDS2). Also called: Marfan syndrome, type 2 (formerly); AORTIC ANEURYSM, FAMILIAL THORACIC 3; Marfan Syndrome type 2; Marfan like connective tissue disorder; MFS 2; MARFAN SYNDROME, TYPE II. Identifiers: Orphanet 284973, Orphanet 558, MedGen C2674574, MONDO:0012427, OMIM 610168.

Allele frequency attached by ClinVar (database versions not stated): gnomAD exomes 0.00002 and 0.00004; ExAC 0.00007; TOPMed 0.00012; gnomAD 0.00015 and 0.00017; 1000 Genomes Project 30x 0.00016; 1000 Genomes Project 0.00020; ESP Exome Variant Server 0.00023.
gnomAD v4.1: 50 of 1,613,696 alleles (0.0031%); highest among the groups gnomAD compares: African/African-American, 0.061%; no homozygotes.

Submissions (3):

Labcorp Genetics (formerly Invitae), Labcorp
Classification: Uncertain significance for Loeys-Dietz syndrome 2. Last evaluated: 2025-12-17. Review status: criteria provided, single submitter. Criteria: Invitae Variant Classification Sherloc (09022015). Collection method: clinical testing. Allele origin: germline.
Comment: This sequence change replaces leucine, which is neutral and non-polar, with histidine, which is basic and polar, at codon 256 of the TMPO protein (p.Leu256His). This variant is present in population databases (rs146364154, gnomAD 0.07%), and has an allele count higher than expected for a pathogenic variant. This variant has not been reported in the literature in individuals affected with TMPO-related conditions. ClinVar contains an entry for this variant (Variation ID: 202132). Invitae Evidence Modeling of protein sequence and biophysical properties (such as structural, functional, and spatial information, amino acid conservation, physicochemical variation, residue mobility, and thermodynamic stability) indicates that this missense variant is not expected to disrupt TMPO protein function with a negative predictive value of 80%. In summary, the available evidence is currently insufficient to determine the role of this variant in disease. Therefore, it has been classified as a Variant of Uncertain Significance.

Ambry Genetics
Classification: Likely benign. Last evaluated: 2024-10-12. Review status: criteria provided, single submitter. Criteria: Ambry Variant Classification Scheme 2023. Collection method: clinical testing. Allele origin: germline.

GeneDx
Classification: Uncertain significance. Last evaluated: 2022-06-09. Review status: criteria provided, single submitter. Criteria: GeneDx Variant Classification Process June 2021. Collection method: clinical testing. Allele origin: germline. Affected: yes.
Comment: Has not been previously published as pathogenic or benign to our knowledge; In silico analysis supports that this missense variant does not alter protein structure/function

NM_001032283.3(TMPO):c.565+1186T>A

Gene: TMPO (thymopoietin; plus strand). Cytogenetic location: 12q23.1.
Variant type: single nucleotide variant.
Coding change: c.565+1186T>A on transcript NM_001032283.3 (MANE Select); 1186 bases into the intron after coding-DNA position 565, T replaced by A.
Molecular consequence: intron variant. On other transcripts: missense variant (1).
Genome position (GRCh38, 1-based): chr12:98,533,024, T>A. VCF-style: chr12-98533024-T-A. GRCh37 (hg19) VCF-style: chr12-98926802-T-A.
Other names: p.L256H:CTT>CAT; c.767T>A, p.Leu256His (NM_003276.2); c.565+1186T>A (NM_001307975.2, NM_001032284.3); short protein forms L256H.
Identifiers: ClinVar variation 202132 (VCV000202132.14), dbSNP rs146364154, ClinGen allele CA308887.